The following is an entry in ClinVar:

NM_000043.6(FAS):c.103T>A (p.Leu35Met)

Gene: FAS (Fas cell surface death receptor; plus strand). Cytogenetic location: 10q23.31.
Variant type: single nucleotide variant.
Coding change: c.103T>A on transcript NM_000043.6 (MANE Select); coding-DNA position 103, T replaced by A.
Protein change: p.Leu35Met; replaces leucine 35 with methionine.
Molecular consequence: missense variant. On other transcripts: non-coding transcript variant (7).
Genome position (GRCh38, 1-based): chr10:89,003,101, T>A. VCF-style: chr10-89003101-T-A. GRCh37 (hg19) VCF-style: chr10-90762858-T-A.
Other names: c.103T>A, p.Leu35Met (NM_001320619.2, NM_152871.4, NM_152872.4); c.148T>A, p.Leu50Met (NM_001410956.1); short protein forms L35M, L50M.
Identifiers: ClinVar variation 2155954 (VCV002155954.5), dbSNP rs9333296, ClinGen allele CA5593032.

ClinVar aggregate classification (germline): Uncertain significance. Review status: criteria provided, multiple submitters, no conflicts (2 of 4 stars). 2 submissions from 2 submitters: Uncertain significance (2). Last evaluated 2025-11-13.

Conditions:
Autoimmune lymphoproliferative syndrome type 1. Also called: AUTOIMMUNE LYMPHOPROLIFERATIVE SYNDROME, TYPE I, AUTOSOMAL DOMINANT. Identifiers: Orphanet 3261, MedGen C2717884, MONDO:0011158, OMIM 601859.

gnomAD v4.1: 15 of 1,613,986 alleles (0.00093%); highest among the groups gnomAD compares: African/African-American, 0.0013%; no homozygotes.

Submissions (2):

Labcorp Genetics (formerly Invitae), Labcorp
Classification: Uncertain significance for Autoimmune lymphoproliferative syndrome. Last evaluated: 2025-11-13. Review status: criteria provided, single submitter. Criteria: Invitae Variant Classification Sherloc (09022015). Collection method: clinical testing. Allele origin: germline.
Comment: This sequence change replaces leucine, which is neutral and non-polar, with methionine, which is neutral and non-polar, at codon 35 of the FAS protein (p.Leu35Met). This variant is present in population databases (rs9333296, gnomAD 0.002%). This variant has not been reported in the literature in individuals affected with FAS-related conditions. ClinVar contains an entry for this variant (Variation ID: 2155954). An algorithm developed to predict the effect of missense changes on protein structure and function (PolyPhen-2) suggests that this variant is likely to be disruptive. In summary, the available evidence is currently insufficient to determine the role of this variant in disease. Therefore, it has been classified as a Variant of Uncertain Significance.

Blueprint Genetics
Classification: Uncertain significance. Last evaluated: 2022-07-26. Review status: criteria provided, single submitter. Criteria: ACMG Guidelines, 2015. Collection method: clinical testing. Allele origin: germline.